The following is an entry in ClinVar:

ClinVar aggregate classification (germline): Conflicting classifications of pathogenicity. Review status: criteria provided, conflicting classifications (1 of 4 stars). 6 submissions from 6 submitters: Uncertain significance (2); Benign (1). 3 of the submissions do not count toward it. Last evaluated 2018-01-13.

Conditions:
Neuronal ceroid lipofuscinosis 1 (CLN1). Also called: CEROID LIPOFUSCINOSIS, NEURONAL, 1, VARIABLE AGE AT ONSET; PPT1-Related Neuronal Ceroid-Lipofuscinosis. Identifiers: Orphanet 228329, MedGen C1850451, MONDO:0009744, OMIM 256730.
PPT1-related disorder. Also called: PPT1-related condition.

Allele frequency attached by ClinVar (database versions not stated): gnomAD 0.00006 and 0.00008; ExAC 0.00016; TOPMed 0.00017; gnomAD exomes 0.00019.
gnomAD v4.1: 111 of 1,614,028 alleles (0.0069%); highest among the groups gnomAD compares: Admixed American, 0.082%; no homozygotes.

Submissions (6):

Illumina Laboratory Services, Illumina
Classification: Uncertain significance for Neuronal ceroid lipofuscinosis 1. Last evaluated: 2018-01-13. Review status: criteria provided, single submitter. Criteria: ICSL Variant Classification Criteria 13 December 2019. Collection method: clinical testing. Allele origin: germline.

Eurofins Ntd Llc (ga)
Classification: Uncertain significance. Last evaluated: 2017-06-23. Review status: criteria provided, single submitter. Criteria: EGL Classification Definitions 2015. Collection method: clinical testing. Allele origin: germline. Observed: 1 variant allele, 1 heterozygote.

GeneDx
Classification: Benign. Last evaluated: 2013-10-29. Review status: criteria provided, single submitter. Criteria: GeneDx Variant Classification (06012015). Collection method: clinical testing. Allele origin: germline. Affected: yes.
Comment: This variant is considered likely benign or benign based on one or more of the following criteria: it is a conservative change, it occurs at a poorly conserved position in the protein, it is predicted to be benign by multiple in silico algorithms, and/or has population frequency not consistent with disease.

Natera, Inc.
Classification: Uncertain significance for Neuronal ceroid lipofuscinosis 1. Last evaluated: 2020-01-24. Review status: no assertion criteria provided. Collection method: clinical testing. Allele origin: germline. Not counted in ClinVar's aggregate classification.

PreventionGenetics, part of Exact Sciences
Classification: Likely benign for PPT1-related condition. Last evaluated: 2019-08-01. Review status: no assertion criteria provided. Collection method: clinical testing. Allele origin: germline. Not counted in ClinVar's aggregate classification.
Comment: This variant is classified as likely benign based on ACMG/AMP sequence variant interpretation guidelines (Richards et al. 2015 PMID: 25741868, with internal and published modifications).

Mayo Clinic Laboratories, Mayo Clinic
Classification: Uncertain significance. Last evaluated: 2015-12-16. Review status: no assertion criteria provided. Collection method: clinical testing. Allele origin: unknown. Not counted in ClinVar's aggregate classification.

NM_000310.4(PPT1):c.*6G>A

Gene: PPT1 (palmitoyl-protein thioesterase 1; minus strand). Cytogenetic location: 1p34.2.
Variant type: single nucleotide variant.
Coding change: c.*6G>A on transcript NM_000310.4 (MANE Select); 6 bases downstream of the stop codon, G replaced by A.
Molecular consequence: 3 prime UTR variant.
Genome position (GRCh38, 1-based): chr1:40,074,055, C>T on the plus strand (G>A on the coding strand, the complement: PPT1 is on the minus strand). VCF-style: chr1-40074055-C-T. GRCh37 (hg19) VCF-style: chr1-40539727-C-T.
Other names: c.*6G>A (NM_001142604.2, NM_001363695.2).
Identifiers: ClinVar variation 204600 (VCV000204600.16), dbSNP rs113082671, ClinGen allele CA292903.